The following is an entry in ClinVar:

NM_004360.5(CDH1):c.49-4C>T

Gene: CDH1 (cadherin 1; plus strand). Cytogenetic location: 16q22.1.
Variant type: single nucleotide variant.
Coding change: c.49-4C>T on transcript NM_004360.5 (MANE Select); 4 bases into the intron before coding-DNA position 49, C replaced by T.
Molecular consequence: intron variant.
Genome position (GRCh38, 1-based): chr16:68,738,293, C>T. VCF-style: chr16-68738293-C-T. GRCh37 (hg19) VCF-style: chr16-68772196-C-T.
Other names: c.-1567-4C>T (NM_001317185.2); c.-1771-4C>T (NM_001317186.2); c.49-4C>T (NM_001317184.2).
Identifiers: ClinVar variation 3265139 (VCV003265139.2).

ClinVar aggregate classification (germline): Conflicting classifications of pathogenicity. Review status: criteria provided, conflicting classifications (1 of 4 stars). 2 submissions from 2 submitters: Uncertain significance (1); Likely benign (1). Last evaluated 2025-08-13.

Conditions:
Hereditary cancer-predisposing syndrome. Also called: Neoplastic Syndromes, Hereditary; Hereditary neoplastic syndrome; Tumor predisposition; Hereditary Cancer Syndrome. Identifiers: Orphanet 140162, MedGen C0027672, MeSH D009386, MONDO:0015356.
Hereditary diffuse gastric adenocarcinoma (HDGC). Also called: DIFFUSE GASTRIC AND LOBULAR BREAST CANCER SYNDROME. Identifiers: Orphanet 26106, MedGen C1708349, MONDO:0007648, OMIM 137215.

Submissions (2):

Labcorp Genetics (formerly Invitae), Labcorp
Classification: Likely benign for Hereditary diffuse gastric adenocarcinoma. Last evaluated: 2025-08-13. Review status: criteria provided, single submitter. Criteria: Invitae Variant Classification Sherloc (09022015). Collection method: clinical testing. Allele origin: germline.

Ambry Genetics
Classification: Uncertain significance for Hereditary cancer-predisposing syndrome. Last evaluated: 2024-05-17. Review status: criteria provided, single submitter. Criteria: Ambry Variant Classification Scheme 2023. Collection method: clinical testing. Allele origin: germline.
Comment: The c.49-4C>T intronic variant results from a C to T substitution 4 nucleotides upstream from coding exon 2 in the CDH1 gene. This nucleotide position is not well conserved in available vertebrate species. In silico splice site analysis predicts that this alteration may result in the creation or strengthening of a novel splice acceptor site. Based on the available evidence, the clinical significance of this variant remains unclear.